The following is an entry in ClinVar:

NM_199242.3(UNC13D):c.1301T>C (p.Val434Ala)

Gene: UNC13D (unc-13 homolog D; minus strand). Cytogenetic location: 17q25.1.
Variant type: single nucleotide variant.
Coding change: c.1301T>C on transcript NM_199242.3 (MANE Select); coding-DNA position 1301, T replaced by C.
Protein change: p.Val434Ala; replaces valine 434 with alanine.
Molecular consequence: missense variant.
Genome position (GRCh38, 1-based): chr17:75,836,427, A>G on the plus strand (T>C on the coding strand, the complement: UNC13D is on the minus strand). VCF-style: chr17-75836427-A-G. GRCh37 (hg19) VCF-style: chr17-73832508-A-G.
Other names: short protein forms V434A.
Identifiers: ClinVar variation 1392422 (VCV001392422.6), dbSNP rs752360915, ClinGen allele CA8773025.
Genomic context (GRCh38, chr17:75,836,427, plus strand): 5'-AATGGGGCGGTGTTGGGGCACAGTTCTCCAAAGGCCTTCATCTTGCACATCTGTACCAGG[A>G]CCCTGCAAGATGGAAAGAGCTGTGTCGAAAGTGCCTGCTGCCCCACACTGCACTCACTCC-3'
Protein context (NP_954712.1, residues 424-444): SPARLQSLLR[Val434Ala]LVQMCKMKAF

ClinVar aggregate classification (germline): Uncertain significance (1 of 4 stars; one submission).

Conditions:
Familial hemophagocytic lymphohistiocytosis 3 (FHL3). Also called: UNC13D-Related Familial Hemophagocytic Lymphohistiocytosis (UNC13D-fHLH). Identifiers: Orphanet 540, MedGen C1837174, MONDO:0012146, OMIM 608898.

Allele frequency attached by ClinVar (database versions not stated): TOPMed below 0.00001; gnomAD exomes 0.00001 and 0.00002; ExAC 0.00003.
gnomAD v4.1: 9 of 1,612,854 alleles (0.00056%); highest among the groups gnomAD compares: Non-Finnish European, 0.00068%; no homozygotes.

Submission:

Labcorp Genetics (formerly Invitae), Labcorp
Classification: Uncertain significance for Familial hemophagocytic lymphohistiocytosis 3. Last evaluated: 2025-06-16. Review status: criteria provided, single submitter. Criteria: Invitae Variant Classification Sherloc (09022015). Collection method: clinical testing. Allele origin: germline.
Comment: This sequence change replaces valine, which is neutral and non-polar, with alanine, which is neutral and non-polar, at codon 434 of the UNC13D protein (p.Val434Ala). This variant is present in population databases (rs752360915, gnomAD 0.003%). This variant has not been reported in the literature in individuals affected with UNC13D-related conditions. ClinVar contains an entry for this variant (Variation ID: 1392422). An algorithm developed to predict the effect of missense changes on protein structure and function (PolyPhen-2) suggests that this variant is likely to be disruptive. In summary, the available evidence is currently insufficient to determine the role of this variant in disease. Therefore, it has been classified as a Variant of Uncertain Significance.